The following is an entry in ClinVar:

NM_000264.5(PTCH1):c.2965G>C (p.Glu989Gln)

Gene: PTCH1 (patched 1; minus strand). Cytogenetic location: 9q22.32.
Variant type: single nucleotide variant.
Coding change: c.2965G>C on transcript NM_000264.5 (MANE Select); coding-DNA position 2965, G replaced by C.
Protein change: p.Glu989Gln; replaces glutamic acid 989 with glutamine.
Molecular consequence: missense variant. On other transcripts: non-coding transcript variant (1).
Genome position (GRCh38, 1-based): chr9:95,458,216, C>G on the plus strand (G>C on the coding strand, the complement: PTCH1 is on the minus strand). VCF-style: chr9-95458216-C-G. GRCh37 (hg19) VCF-style: chr9-98220498-C-G.
Other names: c.2767G>C, p.Glu923Gln (NM_001083602.3); c.2962G>C, p.Glu988Gln (NM_001083603.3); c.2512G>C, p.Glu838Gln (NM_001083604.3, NM_001083605.3, NM_001083606.3 and 1 more transcripts); c.2809G>C, p.Glu937Gln (NM_001354918.2); short protein forms E838Q, E923Q, E989Q, E937Q, E988Q.
Identifiers: ClinVar variation 3427323 (VCV003427323.1).
Genomic context (GRCh38, chr9:95,458,216, plus strand): 5'-AACTGGACAGCCCCAGGCTCGTATAGTTGCTGCAGATGGTCCTTACTTTTTCAATTGCCT[C>G]CACAAAGTCTGAGGTGTCCCGCAAGCCGTTGAGGTAGAAAGGGAACTGGGCATACTCGAT-3'
Protein context (NP_000255.2, residues 979-999): NGLRDTSDFV[Glu989Gln]AIEKVRTICS

ClinVar aggregate classification (germline): Uncertain significance (1 of 4 stars; one submission).

Conditions:
Hereditary cancer-predisposing syndrome. Also called: Neoplastic Syndromes, Hereditary; Tumor predisposition; Hereditary Cancer Syndrome; Hereditary neoplastic syndrome. Identifiers: Orphanet 140162, MedGen C0027672, MeSH D009386, MONDO:0015356.

Submission:

Ambry Genetics
Classification: Uncertain significance for Hereditary cancer-predisposing syndrome. Last evaluated: 2024-11-12. Review status: criteria provided, single submitter. Criteria: Ambry Variant Classification Scheme 2023. Collection method: clinical testing. Allele origin: germline.
Comment: The p.E989Q variant (also known as c.2965G>C), located in coding exon 18 of the PTCH1 gene, results from a G to C substitution at nucleotide position 2965. The glutamic acid at codon 989 is replaced by glutamine, an amino acid with highly similar properties. This amino acid position is conserved. In addition, the in silico prediction for this alteration is inconclusive. Based on the available evidence, the clinical significance of this variant remains unclear.